The following is an entry in ClinVar:

NM_001161352.2(KCNMA1):c.1609A>C (p.Ile537Leu)

Gene: KCNMA1 (potassium calcium-activated channel subfamily M alpha 1; minus strand). Cytogenetic location: 10q22.3.
Variant type: single nucleotide variant.
Coding change: c.1609A>C on transcript NM_001161352.2 (MANE Select); coding-DNA position 1609, A replaced by C.
Protein change: p.Ile537Leu; replaces isoleucine 537 with leucine.
Molecular consequence: missense variant.
Genome position (GRCh38, 1-based): chr10:77,073,237, T>G on the plus strand (A>C on the coding strand, the complement: KCNMA1 is on the minus strand). VCF-style: chr10-77073237-T-G. GRCh37 (hg19) VCF-style: chr10-78832995-T-G.
Other names: c.1609A>C, p.Ile537Leu (NM_001014797.3, NM_001161353.2, NM_001271519.2 and 8 more transcripts); c.1447A>C, p.Ile483Leu (NM_001271518.2); c.1069A>C, p.Ile357Leu (NM_001322838.2); short protein forms I483L, I357L, I537L.
Identifiers: ClinVar variation 2847182 (VCV002847182.3), dbSNP rs2550660257, ClinGen allele CA377404989.

ClinVar aggregate classification (germline): Uncertain significance (1 of 4 stars; one submission).

Conditions:
Generalized epilepsy-paroxysmal dyskinesia syndrome (PNKD3). Also called: Generalized epilepsy and paroxysmal dyskinesia; Paroxysmal nonkinesigenic dyskinesia, 3, with or without generalized epilepsy. Identifiers: Orphanet 79137, MedGen C5574945, MONDO:0012276, OMIM 609446.

Submission:

Labcorp Genetics (formerly Invitae), Labcorp
Classification: Uncertain significance for Generalized epilepsy-paroxysmal dyskinesia syndrome. Last evaluated: 2023-03-18. Review status: criteria provided, single submitter. Criteria: Invitae Variant Classification Sherloc (09022015). Collection method: clinical testing. Allele origin: germline.
Comment: In summary, the available evidence is currently insufficient to determine the role of this variant in disease. Therefore, it has been classified as a Variant of Uncertain Significance. An algorithm developed to predict the effect of missense changes on protein structure and function (PolyPhen-2) suggests that this variant is likely to be disruptive. This variant has not been reported in the literature in individuals affected with KCNMA1-related conditions. This variant is not present in population databases (gnomAD no frequency). This sequence change replaces isoleucine, which is neutral and non-polar, with leucine, which is neutral and non-polar, at codon 537 of the KCNMA1 protein (p.Ile537Leu).